The following is an entry in ClinVar:

NM_005591.4(MRE11):c.1571C>G (p.Thr524Ser)

Gene: MRE11 (MRE11 double strand break repair nuclease; minus strand). Cytogenetic location: 11q21.
Variant type: single nucleotide variant.
Coding change: c.1571C>G on transcript NM_005591.4 (MANE Select); coding-DNA position 1571, C replaced by G.
Protein change: p.Thr524Ser; replaces threonine 524 with serine.
Molecular consequence: missense variant.
Genome position (GRCh38, 1-based): chr11:94,447,431, G>C on the plus strand (C>G on the coding strand, the complement: MRE11 is on the minus strand). VCF-style: chr11-94447431-G-C. GRCh37 (hg19) VCF-style: chr11-94180597-G-C.
Other names: c.1571C>G, p.Thr524Ser (NM_001330347.2, NM_005590.4); short protein forms T524S.
Identifiers: ClinVar variation 231575 (VCV000231575.14), dbSNP rs876659237, ClinGen allele CA10579372.

ClinVar aggregate classification (germline): Conflicting classifications of pathogenicity. Review status: criteria provided, conflicting classifications (1 of 4 stars). 2 submissions from 2 submitters: Uncertain significance (1); Likely benign (1). Last evaluated 2022-05-12.

Conditions:
Hereditary cancer-predisposing syndrome. Also called: Neoplastic Syndromes, Hereditary; Tumor predisposition; Hereditary Cancer Syndrome; Hereditary neoplastic syndrome. Identifiers: Orphanet 140162, MedGen C0027672, MeSH D009386, MONDO:0015356.
Ataxia-telangiectasia-like disorder (ATLD). Identifiers: MedGen C1858391, MONDO:0011457.

Allele frequency attached by ClinVar (database versions not stated): TOPMed 0.00002; gnomAD 0.00003 and 0.00004.
gnomAD v4.1: 9 of 1,614,094 alleles (0.00056%); highest among the groups gnomAD compares: African/African-American, 0.0067%; no homozygotes.

Submissions (2):

Ambry Genetics
Classification: Likely benign for Hereditary cancer-predisposing syndrome. Last evaluated: 2022-05-12. Review status: criteria provided, single submitter. Criteria: Ambry Variant Classification Scheme 2023. Collection method: clinical testing. Allele origin: germline.

Labcorp Genetics (formerly Invitae), Labcorp
Classification: Uncertain significance for Ataxia-telangiectasia-like disorder. Last evaluated: 2018-01-24. Review status: criteria provided, single submitter. Criteria: Invitae Variant Classification Sherloc (09022015). Collection method: clinical testing. Allele origin: germline.
Comment: This variant has not been reported in the literature in individuals with MRE11-related disease. ClinVar contains an entry for this variant (Variation ID: 231575). This variant is not present in population databases (ExAC no frequency). This sequence change replaces threonine with serine at codon 524 of the MRE11 protein (p.Thr524Ser). The threonine residue is weakly conserved and there is a small physicochemical difference between threonine and serine. Algorithms developed to predict the effect of missense changes on protein structure and function output the following: SIFT: "Tolerated"; PolyPhen-2: "Benign"; Align-GVGD: "Class C0". The serine amino acid residue is found in multiple mammalian species, suggesting that this missense change does not adversely affect protein function. These predictions have not been confirmed by published functional studies and their clinical significance is uncertain. In summary, the available evidence is currently insufficient to determine the role of this variant in disease. Therefore, it has been classified as a Variant of Uncertain Significance.